The following is an entry in ClinVar:

NM_000551.4(VHL):c.269A>T (p.Asn90Ile)

Gene: VHL (von Hippel-Lindau tumor suppressor; plus strand). Cytogenetic location: 3p25.3.
Variant type: single nucleotide variant.
Coding change: c.269A>T on transcript NM_000551.4 (MANE Select); coding-DNA position 269, A replaced by T.
Protein change: p.Asn90Ile; replaces asparagine 90 with isoleucine.
Molecular consequence: missense variant.
Genome position (GRCh38, 1-based): chr3:10,142,116, A>T. VCF-style: chr3-10142116-A-T. GRCh37 (hg19) VCF-style: chr3-10183800-A-T.
Other names: c.269A>T, p.Asn90Ile (NM_001354723.2, NM_198156.3); short protein forms N90I.
Identifiers: ClinVar variation 223172 (VCV000223172.3), dbSNP rs143985153, ClinGen allele CA357043.
Genomic context (GRCh38, chr3:10,142,116, plus strand): 5'-AGCCCTCCCAGGTCATCTTCTGCAATCGCAGTCCGCGCGTCGTGCTGCCCGTATGGCTCA[A>T]CTTCGACGGCGAGCCGCAGCCCTACCCAACGCTGCCGCCTGGCACGGGCCGCCGCATCCA-3'
Protein context (NP_000542.1, residues 80-100): SPRVVLPVWL[Asn90Ile]FDGEPQPYPT

ClinVar aggregate classification (germline): Likely pathogenic. Review status: criteria provided, single submitter (1 of 4 stars). 2 submissions from 2 submitters: Likely pathogenic (1). 1 of the submissions does not count toward it. Last evaluated 2020-10-09.

Conditions:
Hereditary cancer-predisposing syndrome. Also called: Tumor predisposition; Hereditary neoplastic syndrome; Neoplastic Syndromes, Hereditary; Hereditary Cancer Syndrome. Identifiers: Orphanet 140162, MedGen C0027672, MeSH D009386, MONDO:0015356.
Von Hippel-Lindau syndrome (VHLS). Also called: Von Hippel-Lindau; von Hippel–Lindau syndrome; VHL syndrome. Identifiers: Orphanet 892, MedGen C0019562, MONDO:0008667, OMIM 193300. Disease mechanism: loss of function.

Submissions (2):

Ambry Genetics
Classification: Likely pathogenic for Hereditary cancer-predisposing syndrome. Last evaluated: 2020-10-09. Review status: criteria provided, single submitter. Criteria: Ambry Variant Classification Scheme 2023. Collection method: clinical testing. Allele origin: germline.
Comment: The p.N90I variant (also known as c.269A>T), located in coding exon 1 of the VHL gene, results from an A to T substitution at nucleotide position 269. The asparagine at codon 90 is replaced by isoleucine, an amino acid with dissimilar properties. This variant has been reported in multiple Asian families diagnosed with VHL (Yoshida M et al. Jpn. J Cancer Res. 2000 Feb;91:204-12; Wu P et al. J Hum Genet. 2012 Apr;57(4):238-43; Sousa AL et al. World J Gastrointest Endosc. 2013 Oct 16;5(10):519-22; Ning XH et al. Cancer Res. 2014 Jul 15;74(14):3802-9; Hong B et al. Front Genet. 2019 Sep 18;10:867). This amino acid position is well conserved in available vertebrate species. In addition, this alteration is predicted to be deleterious by in silico analysis. Based on the majority of available evidence to date, this variant is likely to be pathogenic.

Genomic Diagnostic Laboratory, Division of Genomic Diagnostics, Children's Hospital of Philadelphia
Classification: Likely pathogenic for Von Hippel-Lindau syndrome. Last evaluated: 2016-02-26. Review status: no assertion criteria provided. Collection method: clinical testing. Allele origin: germline. Affected: yes. Observed: 5 variant alleles. Not counted in ClinVar's aggregate classification.

Literature cited by the submitters: PubMed 10761708 (cited by Ambry Genetics); PubMed 22357542 (cited by Ambry Genetics); PubMed 24147197 (cited by Ambry Genetics); PubMed 24986515 (cited by Ambry Genetics); PubMed 31620170 (cited by Ambry Genetics).